The following is an entry in ClinVar:

NM_001466.4(FZD2):c.711A>C (p.Ser237=)

Gene: FZD2 (frizzled class receptor 2; plus strand). Cytogenetic location: 17q21.31.
Variant type: single nucleotide variant.
Coding change: c.711A>C on transcript NM_001466.4 (MANE Select); coding-DNA position 711, A replaced by C.
Protein change: p.Ser237=; no amino-acid change (serine 237 retained).
Molecular consequence: synonymous variant.
Genome position (GRCh38, 1-based): chr17:44,558,399, A>C. VCF-style: chr17-44558399-A-C. GRCh37 (hg19) VCF-style: chr17-42635767-A-C.
Identifiers: ClinVar variation 2032234 (VCV002032234.4), dbSNP rs1970852116, ClinGen allele CA500627457.
Genomic context (GRCh38, chr17:44,558,399, plus strand): 5'-CGAGCGTGATTGTGCTGCGCCCTGCGAACCTGCGCGGCCCGATGGTTCCATGTTCTTCTC[A>C]CAGGAGGAGACGCGTTTCGCGCGCCTCTGGATCCTCACCTGGTCGGTGCTGTGCTGCGCT-3'
Protein context (NP_001457.1, residues 227-247): PARPDGSMFF[Ser237=]QEETRFARLW

ClinVar aggregate classification (germline): Uncertain significance (1 of 4 stars; one submission).

Allele frequency attached by ClinVar (database versions not stated): gnomAD 0.00001.
gnomAD v4.1: 1 of 1,563,162 alleles (0.000064%); highest among the groups gnomAD compares: African/African-American, 0.0014%; no homozygotes.

Submission:

Labcorp Genetics (formerly Invitae), Labcorp
Classification: Uncertain significance. Last evaluated: 2022-09-23. Review status: criteria provided, single submitter. Criteria: Invitae Variant Classification Sherloc (09022015). Collection method: clinical testing. Allele origin: germline.
Comment: This sequence change affects codon 237 of the FZD2 mRNA. It is a 'silent' change, meaning that it does not change the encoded amino acid sequence of the FZD2 protein. This variant is not present in population databases (gnomAD no frequency). This variant has not been reported in the literature in individuals affected with FZD2-related conditions. In summary, the available evidence is currently insufficient to determine the role of this variant in disease. Therefore, it has been classified as a Variant of Uncertain Significance.